The following is an entry in ClinVar:

ClinVar aggregate classification (germline): Uncertain significance (1 of 4 stars; one submission).

Conditions:
Fanconi anemia (FA). Also called: Fanconi's anemia. Identifiers: Orphanet 84, MedGen C0015625, MeSH D005199, MONDO:0019391.

gnomAD v4.1: 1 of 1,550,912 alleles (0.000064%); highest among the groups gnomAD compares: Non-Finnish European, 0.000087%; no homozygotes.

Submission:

Labcorp Genetics (formerly Invitae), Labcorp
Classification: Uncertain significance for Fanconi anemia. Last evaluated: 2023-10-13. Review status: criteria provided, single submitter. Criteria: Invitae Variant Classification Sherloc (09022015). Collection method: clinical testing. Allele origin: germline.
Comment: This sequence change replaces proline, which is neutral and non-polar, with leucine, which is neutral and non-polar, at codon 667 of the FANCA protein (p.Pro667Leu). This variant is not present in population databases (gnomAD no frequency). This variant has not been reported in the literature in individuals affected with FANCA-related conditions. ClinVar contains an entry for this variant (Variation ID: 1412163). Advanced modeling of protein sequence and biophysical properties (such as structural, functional, and spatial information, amino acid conservation, physicochemical variation, residue mobility, and thermodynamic stability) performed at Invitae indicates that this missense variant is expected to disrupt FANCA protein function. In summary, the available evidence is currently insufficient to determine the role of this variant in disease. Therefore, it has been classified as a Variant of Uncertain Significance.

NM_000135.4(FANCA):c.2000C>T (p.Pro667Leu)

Gene: FANCA (FA complementation group A; minus strand). Cytogenetic location: 16q24.3.
Variant type: single nucleotide variant.
Coding change: c.2000C>T on transcript NM_000135.4 (MANE Select); coding-DNA position 2000, C replaced by T.
Protein change: p.Pro667Leu; replaces proline 667 with leucine.
Molecular consequence: missense variant.
Genome position (GRCh38, 1-based): chr16:89,773,285, G>A on the plus strand (C>T on the coding strand, the complement: FANCA is on the minus strand). VCF-style: chr16-89773285-G-A. GRCh37 (hg19) VCF-style: chr16-89839693-G-A.
Other names: c.2000C>T, p.Pro667Leu (NM_001286167.3); short protein forms P667L.
Identifiers: ClinVar variation 1412163 (VCV001412163.7), dbSNP rs755293596, ClinGen allele CA397449559.
Genomic context (GRCh38, chr16:89,773,285, plus strand): 5'-CAGGCTGCACACATGAGACACAGCATGAGCTCCCATCCATCCTCACCATCACGCTGGCTG[G>A]GGTCTGTCATGGAGGCTCTCAGCTCTCCCAGTGCAGCTGTGAGCTGTCCCAGGGGCTCCT-3'
Protein context (NP_000126.2, residues 657-677): LGELRASMTD[Pro667Leu]SQRDVISAQV